The following is an entry in ClinVar:

NR_027350.2(MIR17HG):n.578C>T

Gene: MIR17HG (miR-17-92a-1 cluster host gene; plus strand). Cytogenetic location: 13q31.3.
Variant type: single nucleotide variant.
Genome position: GRCh38 VCF-style: chr13-91350002-C-T. GRCh37 (hg19) VCF-style: chr13-92002256-C-T.
Identifiers: ClinVar variation 3046176 (VCV003046176.2), dbSNP rs112107109, ClinGen allele CA254717469.

ClinVar aggregate classification (germline): Likely benign (0 of 4 stars; one submission).

Conditions:
MIR17HG-related disorder. Also called: MIR17HG-related condition.

Allele frequency attached by ClinVar (database versions not stated): 1000 Genomes Project 0.00100; 1000 Genomes Project 30x 0.00141; gnomAD exomes 0.00258; TOPMed 0.00339; gnomAD 0.00374.
gnomAD v4.1: 564 of 152,516 alleles (0.37%); highest among the groups gnomAD compares: Non-Finnish European, 0.59%; 2 homozygotes.

Submission:

PreventionGenetics, part of Exact Sciences
Classification: Likely benign for MIR17HG-related condition. Last evaluated: 2023-01-26. Review status: no assertion criteria provided. Collection method: clinical testing. Allele origin: germline.
Comment: This variant is classified as likely benign based on ACMG/AMP sequence variant interpretation guidelines (Richards et al. 2015 PMID: 25741868, with internal and published modifications).